The following is an entry in ClinVar:

ClinVar aggregate classification (germline): Likely benign. Review status: criteria provided, multiple submitters, no conflicts (2 of 4 stars). 3 submissions from 3 submitters: Likely benign (3). Last evaluated 2024-11-27.

Conditions:
Familial thoracic aortic aneurysm and aortic dissection (TAAD). Also called: Thoracic aortic aneurysms and dissections. Identifiers: Orphanet 91387, MedGen C4707243, MONDO:0019625.

Submissions (3):

Ambry Genetics
Classification: Likely benign for Familial thoracic aortic aneurysm and aortic dissection. Last evaluated: 2024-11-27. Review status: criteria provided, single submitter. Criteria: Ambry Variant Classification Scheme 2023. Collection method: clinical testing. Allele origin: germline.

All of Us Research Program, National Institutes of Health
Classification: Likely benign for Familial thoracic aortic aneurysm and aortic dissection. Last evaluated: 2023-02-24. Review status: criteria provided, single submitter. Criteria: ACMG Guidelines, 2015. Collection method: clinical testing. Allele origin: germline. Inheritance: Autosomal dominant inheritance. Observed: 1 variant allele, 1 heterozygote.
Comment: This study involves interpretation of variants in research participants for the purpose of population health screening. Participant phenotype was not available at the time of variant classification. Additional details can be found in publication PMID: 35346344, PMCID: PMC8962531

Color Diagnostics, LLC DBA Color Health
Classification: Likely benign for Familial thoracic aortic aneurysm and aortic dissection. Last evaluated: 2022-11-06. Review status: criteria provided, single submitter. Criteria: ACMG Guidelines, 2015. Collection method: clinical testing. Allele origin: germline.

NM_002474.3(MYH11):c.4155C>T (p.Ser1385=)

Genes: NDE1 (nudE neurodevelopment protein 1; plus strand), MYH11 (myosin heavy chain 11; minus strand). Cytogenetic location: 16p13.11.
Variant type: single nucleotide variant.
Coding change: c.4155C>T on transcript NM_002474.3 (MANE Select); coding-DNA position 4155, C replaced by T.
Protein change: p.Ser1385=; no amino-acid change (serine 1385 retained).
Molecular consequence: synonymous variant. On other transcripts: 3 prime UTR variant (2).
Genome position (GRCh38, 1-based): chr16:15,724,371, G>A on the plus strand (C>T on the coding strand, the complement: MYH11 is on the minus strand). VCF-style: chr16-15724371-G-A. GRCh37 (hg19) VCF-style: chr16-15818228-G-A.
Other names: c.4176C>T, p.Ser1392= (NM_001040113.2, NM_001040114.2); c.4155C>T, p.Ser1385= (NM_022844.3); c.*120G>A (NM_001143979.2, NM_017668.3); c.4155C>T (NM_002474.2).
Identifiers: ClinVar variation 3069583 (VCV003069583.3), dbSNP rs2040639947, ClinGen allele CA494088103.